The following is an entry in ClinVar:

NC_000022.11:g.40346478G>C

Gene: ADSL (adenylosuccinate lyase; plus strand). Cytogenetic location: 22q13.1.
Variant type: single nucleotide variant.
Genome position: GRCh38 VCF-style: chr22-40346478-G-C. GRCh37 (hg19) VCF-style: chr22-40742482-G-C.
Identifiers: ClinVar variation 1371519 (VCV001371519.3), dbSNP rs936856129, ClinGen allele CA324446952.
Genomic context (GRCh38, chr22:40,346,478, plus strand): 5'-GGCAGCGCCCAGGGCGCCCGGAACCCAGAGAGCGAGACCGCGTGAAGGAAGTCCCGCCCC[G>C]CCCCGTCCTGCCCTGGCCTCCAGGTTTCCGCTTCCGCTCTTCCCTGGTCCAGTCCACCCT-3'

ClinVar aggregate classification (germline): Uncertain significance (1 of 4 stars; one submission).

Conditions:
Adenylosuccinate lyase deficiency (ADSLD). Also called: ADSL DEFICIENCY. Identifiers: Orphanet 46, MedGen C0268126, MONDO:0007068, OMIM 103050.

Allele frequency attached by ClinVar (database versions not stated): gnomAD 0.00003 and 0.00004; TOPMed 0.00004.

Submission:

Labcorp Genetics (formerly Invitae), Labcorp
Classification: Uncertain significance for Adenylosuccinate lyase deficiency. Last evaluated: 2022-09-01. Review status: criteria provided, single submitter. Criteria: Invitae Variant Classification Sherloc (09022015). Collection method: clinical testing. Allele origin: germline.
Comment: This variant occurs in a non-coding region of the ADSL gene. It does not change the encoded amino acid sequence of the ADSL protein. This variant is present in population databases (no rsID available, gnomAD 0.01%). This variant has not been reported in the literature in individuals affected with ADSL-related conditions. Experimental studies and prediction algorithms are not available or were not evaluated, and the functional significance of this variant is currently unknown. In summary, the available evidence is currently insufficient to determine the role of this variant in disease. Therefore, it has been classified as a Variant of Uncertain Significance.